The following is an entry in ClinVar:

ClinVar aggregate classification (germline): Likely pathogenic. Review status: criteria provided, multiple submitters, no conflicts (2 of 4 stars). 3 submissions from 3 submitters: Likely pathogenic (3). Last evaluated 2025-12-26.

Conditions:
Autosomal recessive nonsyndromic hearing loss 77. Identifiers: Orphanet 90636, MedGen C2746083, MONDO:0013119, OMIM 613079.

Submissions (3):

Myriad Genetics, Inc.
Classification: Likely pathogenic for Autosomal recessive nonsyndromic hearing loss 77. Last evaluated: 2025-12-26. Review status: criteria provided, single submitter. Criteria: Myriad Autosomal Dominant, Autosomal Recessive and X-Linked Classification Criteria (2023). Collection method: clinical testing. Allele origin: unknown.
Comment: NM_144612.6(LOXHD1):c.4375+1G>T is a variant in a canonical splice site classified as likely pathogenic in the context of nonsyndromic hearing loss, LOXHD1-related. c.4375+1G>T has been observed in a case with relevant disease (PMID: 26763877). Relevant functional assessments of this variant are not available in the literature. c.4375+1G>T has not been observed in referenced population frequency databases. In summary, NM_144612.6(LOXHD1):c.4375+1G>T is a variant in a canonical splice site in a gene where loss of function is a known mechanism of disease, is predicted to disrupt protein function, and has been observed more frequently in cases with the relevant disease than in healthy populations. Please note: this variant was assessed in the context of healthy population screening.

Natera, Inc.
Classification: Likely pathogenic for Autosomal recessive deafness type 77. Last evaluated: 2025-11-04. Review status: criteria provided, single submitter. Criteria: Natera Variant Classification Schema (03/2026). Collection method: clinical testing. Allele origin: germline.
Comment: The c.4375+1G>T variant in LOXHD1 is a canonical splice donor site variant predicted to affect pre-mRNA splicing, which may result in an abnormal transcript and altered protein product. This variant is expected to result in nonsense mediated decay, truncation, or a dysfunctional protein product. This variant is rare in the general population with a frequency below the threshold expected for the associated phenotype(s). Given the available evidence, this variant is classified as Likely Pathogenic.

Labcorp Genetics (formerly Invitae), Labcorp
Classification: Likely pathogenic. Last evaluated: 2022-04-25. Review status: criteria provided, single submitter. Criteria: Invitae Variant Classification Sherloc (09022015). Collection method: clinical testing. Allele origin: germline.
Comment: This sequence change affects a donor splice site in intron 28 of the LOXHD1 gene. It is expected to disrupt RNA splicing. Variants that disrupt the donor or acceptor splice site typically lead to a loss of protein function (PMID: 16199547), and loss-of-function variants in LOXHD1 are known to be pathogenic (PMID: 19732867, 21465660, 25792669). This variant is not present in population databases (gnomAD no frequency). Disruption of this splice site has been observed in individual(s) with deafness (PMID: 26763877, 31547530). ClinVar contains an entry for this variant (Variation ID: 960559). Algorithms developed to predict the effect of sequence changes on RNA splicing suggest that this variant may disrupt the consensus splice site. In summary, the currently available evidence indicates that the variant is pathogenic, but additional data are needed to prove that conclusively. Therefore, this variant has been classified as Likely Pathogenic.

Literature cited by the submitters: PubMed 26763877 (cited by Myriad Genetics, Inc. and Labcorp Genetics (formerly Invitae), Labcorp); PubMed 16199547 (cited by Labcorp Genetics (formerly Invitae), Labcorp); PubMed 19732867 (cited by Labcorp Genetics (formerly Invitae), Labcorp); PubMed 21465660 (cited by Labcorp Genetics (formerly Invitae), Labcorp); PubMed 25792669 (cited by Labcorp Genetics (formerly Invitae), Labcorp); PubMed 31547530 (cited by Labcorp Genetics (formerly Invitae), Labcorp).

NM_001384474.1(LOXHD1):c.4375+1G>T

Gene: LOXHD1 (lipoxygenase homology PLAT domains 1; minus strand). Cytogenetic location: 18q21.1.
Variant type: single nucleotide variant.
Coding change: c.4375+1G>T on transcript NM_001384474.1 (MANE Select); the canonical splice donor site of the intron after coding-DNA position 4375, G replaced by T.
Molecular consequence: splice donor variant.
Genome position (GRCh38, 1-based): chr18:46,533,161, C>A on the plus strand (G>T on the coding strand, the complement: LOXHD1 is on the minus strand). VCF-style: chr18-46533161-C-A. GRCh37 (hg19) VCF-style: chr18-44113124-C-A.
Other names: c.1042+1G>T (NM_001145472.3); c.754+1G>T (NM_001308013.2); c.4375+1G>T (NM_144612.7).
Identifiers: ClinVar variation 960559 (VCV000960559.11), dbSNP rs2036150181, ClinGen allele CA402374825.